The following is an entry in ClinVar:

ClinVar aggregate classification (germline): Uncertain significance. Review status: criteria provided, multiple submitters, no conflicts (2 of 4 stars). 2 submissions from 2 submitters: Uncertain significance (2). Last evaluated 2025-01-15.

gnomAD v4.1: 3 of 1,531,848 alleles (0.0002%); highest among the groups gnomAD compares: Admixed American, 0.002%; no homozygotes.

Submissions (2):

Ambry Genetics
Classification: Uncertain significance. Last evaluated: 2025-01-15. Review status: criteria provided, single submitter. Criteria: Ambry Variant Classification Scheme 2023. Collection method: clinical testing. Allele origin: germline.

Labcorp Genetics (formerly Invitae), Labcorp
Classification: Uncertain significance. Last evaluated: 2024-11-28. Review status: criteria provided, single submitter. Criteria: Invitae Variant Classification Sherloc (09022015). Collection method: clinical testing. Allele origin: germline.
Comment: This sequence change replaces glycine, which is neutral and non-polar, with aspartic acid, which is acidic and polar, at codon 711 of the SYNPO protein (p.Gly711Asp). The frequency data for this variant in the population databases is considered unreliable, as metrics indicate poor data quality at this position in the gnomAD database. This variant has not been reported in the literature in individuals affected with SYNPO-related conditions. An algorithm developed to predict the effect of missense changes on protein structure and function (PolyPhen-2) suggests that this variant is likely to be disruptive. In summary, the available evidence is currently insufficient to determine the role of this variant in disease. Therefore, it has been classified as a Variant of Uncertain Significance.

NM_007286.6(SYNPO):c.2132G>A (p.Gly711Asp)

Genes: SYNPO (synaptopodin; plus strand), LOC129995010 (ATAC-STARR-seq lymphoblastoid silent region 16515; plus strand). Cytogenetic location: 5q33.1.
Variant type: single nucleotide variant.
Coding change: c.2132G>A on transcript NM_007286.6 (MANE Select); coding-DNA position 2132, G replaced by A.
Protein change: p.Gly711Asp; replaces glycine 711 with aspartic acid.
Molecular consequence: missense variant.
Genome position (GRCh38, 1-based): chr5:150,656,507, G>A. VCF-style: chr5-150656507-G-A. GRCh37 (hg19) VCF-style: chr5-150036069-G-A.
Other names: c.2132G>A (NM_007286.5); short protein forms G711D.
Identifiers: ClinVar variation 3669398 (VCV003669398.3).